The following is an entry in ClinVar:

ClinVar aggregate classification (germline): Uncertain significance (1 of 4 stars; one submission).

Submission:

GeneDx
Classification: Uncertain significance. Last evaluated: 2026-02-12. Review status: criteria provided, single submitter. Criteria: GeneDx Variant Classification Process June 2021. Collection method: clinical testing. Allele origin: germline.
Comment: Not observed at significant frequency in large population cohorts (gnomAD); Missense variants in this gene are a common cause of disease and they are underrepresented in the general population; In silico analysis supports that this missense variant has a deleterious effect on protein structure/function; Has not been previously published as pathogenic or benign to our knowledge; This variant is associated with the following publications: (PMID: 29493581)

NM_005633.4(SOS1):c.2039A>C (p.Glu680Ala)

Gene: SOS1 (SOS Ras/Rac guanine nucleotide exchange factor 1; minus strand). Cytogenetic location: 2p22.1.
Variant type: single nucleotide variant.
Coding change: c.2039A>C on transcript NM_005633.4 (MANE Select); coding-DNA position 2039, A replaced by C.
Protein change: p.Glu680Ala; replaces glutamic acid 680 with alanine.
Molecular consequence: missense variant.
Genome position (GRCh38, 1-based): chr2:39,013,891, T>G on the plus strand (A>C on the coding strand, the complement: SOS1 is on the minus strand). VCF-style: chr2-39013891-T-G. GRCh37 (hg19) VCF-style: chr2-39241032-T-G.
Other names: c.2018A>C, p.Glu673Ala (NM_001382394.1); c.2039A>C, p.Glu680Ala (NM_001382395.1); short protein forms E673A, E680A.
Identifiers: ClinVar variation 5009845 (VCV005009845.1).